The following is an entry in ClinVar:

NM_001033046.4(CYBC1):c.201+1G>A

Gene: CYBC1 (cytochrome b-245 chaperone 1; minus strand). Cytogenetic location: 17q25.3.
Variant type: single nucleotide variant.
Coding change: c.201+1G>A on transcript NM_001033046.4 (MANE Select); the canonical splice donor site of the intron after coding-DNA position 201, G replaced by A.
Molecular consequence: splice donor variant.
Genome position (GRCh38, 1-based): chr17:82,446,622, C>T on the plus strand (G>A on the coding strand, the complement: CYBC1 is on the minus strand). VCF-style: chr17-82446622-C-T. GRCh37 (hg19) VCF-style: chr17-80404498-C-T.
Other names: c.159+1G>A (NM_001100408.3); c.201+1G>A (NM_001100407.3, NM_001193657.2, NM_001193654.2 and 2 more transcripts).
Identifiers: ClinVar variation 2179272 (VCV002179272.4), dbSNP rs1219458778, ClinGen allele CA401609033.
Genomic context (GRCh38, chr17:82,446,622, plus strand): 5'-TTGCAAAAAACCCAGGAGCTGAACAGCCCTGGACTCTGTCCCGCACCCGAGCCGGCCTTA[C>T]CTCCCAGTCCTCCAAGTTCTGCACAGCCACAAACAGGCAGCCTGTGACGTAGAAGAGCTT-3'

ClinVar aggregate classification (germline): Likely pathogenic (1 of 4 stars; one submission).

Allele frequency attached by ClinVar (database versions not stated): gnomAD exomes 0.00002.
gnomAD v4.1: 15 of 1,614,094 alleles (0.00093%); highest among the groups gnomAD compares: Non-Finnish European, 0.0013%; no homozygotes.

Submission:

Labcorp Genetics (formerly Invitae), Labcorp
Classification: Likely pathogenic. Last evaluated: 2025-09-22. Review status: criteria provided, single submitter. Criteria: Invitae Variant Classification Sherloc (09022015). Collection method: clinical testing. Allele origin: germline.
Comment: This sequence change affects a donor splice site in intron 4 of the C17orf62 gene. It is expected to disrupt RNA splicing. Variants that disrupt the donor or acceptor splice site typically lead to a loss of protein function (PMID: 16199547), and loss-of-function variants in C17orf62 are known to be pathogenic (PMID: 28351984, 30361506). This variant is not present in population databases (gnomAD no frequency). This variant has not been reported in the literature in individuals affected with C17orf62-related conditions. ClinVar contains an entry for this variant (Variation ID: 2179272). Algorithms developed to predict the effect of sequence changes on RNA splicing suggest that this variant may disrupt the consensus splice site. In summary, the currently available evidence indicates that the variant is pathogenic, but additional data are needed to prove that conclusively. Therefore, this variant has been classified as Likely Pathogenic.

Literature cited by the submitters: PubMed 16199547; PubMed 28351984; PubMed 30361506.